The following is an entry in ClinVar:

NM_033305.3(VPS13A):c.386-7A>G

Gene: VPS13A (vacuolar protein sorting 13 homolog A; plus strand). Cytogenetic location: 9q21.2.
Variant type: single nucleotide variant.
Coding change: c.386-7A>G on transcript NM_033305.3 (MANE Select); 7 bases into the intron before coding-DNA position 386, A replaced by G.
Molecular consequence: intron variant.
Genome position (GRCh38, 1-based): chr9:77,209,416, A>G. VCF-style: chr9-77209416-A-G. GRCh37 (hg19) VCF-style: chr9-79824332-A-G.
Other names: c.386-7A>G (NM_001018037.2, NM_015186.4, NM_001018038.3).
Identifiers: ClinVar variation 3612994 (VCV003612994.1).

ClinVar aggregate classification (germline): Uncertain significance (1 of 4 stars; one submission).

gnomAD v4.1: 1 of 1,591,732 alleles (0.000063%); highest among the groups gnomAD compares: Non-Finnish European, 0.000086%; no homozygotes.

Submission:

Labcorp Genetics (formerly Invitae), Labcorp
Classification: Uncertain significance. Last evaluated: 2024-02-09. Review status: criteria provided, single submitter. Criteria: Invitae Variant Classification Sherloc (09022015). Collection method: clinical testing. Allele origin: germline.
Comment: This sequence change falls in intron 5 of the VPS13A gene. It does not directly change the encoded amino acid sequence of the VPS13A protein. This variant is not present in population databases (gnomAD no frequency). This variant has not been reported in the literature in individuals affected with VPS13A-related conditions. Algorithms developed to predict the effect of sequence changes on RNA splicing suggest that this variant may disrupt the consensus splice site. In summary, the available evidence is currently insufficient to determine the role of this variant in disease. Therefore, it has been classified as a Variant of Uncertain Significance.